The following is an entry in ClinVar:

NM_017739.4(POMGNT1):c.636C>T (p.Phe212=)

Genes: POMGNT1 (protein O-linked mannose N-acetylglucosaminyltransferase 1 (beta 1,2-); minus strand), TSPAN1 (tetraspanin 1; plus strand). Cytogenetic location: 1p34.1.
Variant type: single nucleotide variant.
Coding change: c.636C>T on transcript NM_017739.4 (MANE Select); coding-DNA position 636, C replaced by T.
Protein change: p.Phe212=; no amino-acid change (phenylalanine 212 retained).
Molecular consequence: synonymous variant.
Genome position (GRCh38, 1-based): chr1:46,194,860, G>A on the plus strand (C>T on the coding strand, the complement: POMGNT1 is on the minus strand). VCF-style: chr1-46194860-G-A. GRCh37 (hg19) VCF-style: chr1-46660532-G-A.
Other names: NM_017739.4(POMGNT1):c.636C>T; p.Phe212=; c.636C>T, p.Phe212= (NM_001243766.2, NM_001410783.1); c.570C>T, p.Phe190= (NM_001290129.3); c.207C>T, p.Phe69= (NM_001290130.2).
Identifiers: ClinVar variation 265399 (VCV000265399.68), dbSNP rs190057175, ClinGen allele CA833669.

ClinVar aggregate classification (germline): Pathogenic. Review status: criteria provided, multiple submitters, no conflicts (2 of 4 stars). 16 submissions from 13 submitters: Pathogenic (12). 4 of the submissions do not count toward it. Last evaluated 2025-12-08.

Conditions:
Muscular dystrophy-dystroglycanopathy (congenital with brain and eye anomalies), type A3. Also called: Congenital muscular dystrophy-dystroglycanopathy with brain and eye anomalies, type A3; WALKER-WARBURG SYNDROME OR MUSCLE-EYE-BRAIN DISEASE, POMGNT1-RELATED; Muscular dystrophy-dystroglycanopathy (congenital with brain and eye anomalies), type A, 3. Identifiers: MedGen C3151519, MONDO:0009667, OMIM 253280.
Muscular dystrophy-dystroglycanopathy (congenital with impaired intellectual development), type B, 3. Also called: Muscular dystrophy-dystroglycanopathy (congenital with intellectual disability), type B3; MUSCULAR DYSTROPHY, CONGENITAL, POMGNT1-RELATED. Identifiers: MedGen C3150412, MONDO:0013155, OMIM 613151.
Retinitis pigmentosa 76 (RP76). Identifiers: MedGen C4310704, MONDO:0014929, OMIM 617123.
Autosomal recessive limb-girdle muscular dystrophy type 2O. Also called: MUSCULAR DYSTROPHY-DYSTROGLYCANOPATHY, LIMB-GIRDLE, POMGNT1-RELATED; Limb-Girdle Muscular Dystrophy Type 3C; MUSCULAR DYSTROPHY-DYSTROGLYCANOPATHY (LIMB-GIRDLE), TYPE C, 3. Identifiers: Orphanet 206564, MedGen C3150417, MONDO:0013161, OMIM 613157.
POMGNT1-related disorder. Also called: POMGNT1-related disorders; POMGNT1-related condition. Identifiers: MedGen CN239299.
Muscular dystrophy-dystroglycanopathy. Also called: Congenital muscular dystrophy due to dystroglycanopathy. Identifiers: Orphanet 370953, MedGen C5679911, MONDO:0018276.
Autosomal recessive limb-girdle muscular dystrophy. Identifiers: Orphanet 102015, MedGen C2931907, MONDO:0015152.
Muscle eye brain disease (MEB). Also called: Santavuori congenital muscular dystrophy. Identifiers: Orphanet 588, Orphanet 899, MedGen C0457133, MONDO:0018939.

Allele frequency attached by ClinVar (database versions not stated): gnomAD 0.00003 and 0.00002; gnomAD exomes 0.00004 and 0.00002; 1000 Genomes Project 0.00020; ExAC 0.00002; TOPMed 0.00004; 1000 Genomes Project 30x 0.00016.
gnomAD v4.1: 39 of 1,613,984 alleles (0.0024%); highest among the groups gnomAD compares: East Asian, 0.0045%; no homozygotes.

Submissions (16):

Labcorp Genetics (formerly Invitae), Labcorp
Classification: Pathogenic for Autosomal recessive limb-girdle muscular dystrophy type 2O; Muscular dystrophy-dystroglycanopathy (congenital with impaired intellectual development), type B, 3. Last evaluated: 2025-12-08. Review status: criteria provided, single submitter. Criteria: Invitae Variant Classification Sherloc (09022015). Collection method: clinical testing. Allele origin: germline.
Comment: This sequence change affects codon 212 of the POMGNT1 mRNA. It is a 'silent' change, meaning that it does not change the encoded amino acid sequence of the POMGNT1 protein. RNA analysis indicates that this variant induces altered splicing and may result in an absent or altered protein product. This variant is present in population databases (rs190057175, gnomAD 0.006%). This variant has been observed in individual(s) with muscular dystrophy-dystroglycanopathy (PMID: 17559086, 18330676, 22323514, 23326386, 28424332). In at least one individual the data is consistent with being in trans (on the opposite chromosome) from a pathogenic variant. ClinVar contains an entry for this variant (Variation ID: 265399). Studies have shown that this variant results in skipping of exon 7, and produces a non-functional protein and/or introduces a premature termination codon (PMID: 17559086, 18330676). For these reasons, this variant has been classified as Pathogenic.

Institute of Medical Genetics and Applied Genomics, University Hospital Tübingen
Classification: Pathogenic for Muscular dystrophy-dystroglycanopathy (congenital with brain and eye anomalies), type A3. Last evaluated: 2025-10-20. Review status: criteria provided, single submitter. Criteria: ACMG Guidelines, 2015. Collection method: clinical testing. Allele origin: germline. Inheritance: Autosomal recessive inheritance. Affected: yes.

Natera, Inc.
Classification: Pathogenic for Muscle-eye-brain disease. Last evaluated: 2025-10-17. Review status: criteria provided, single submitter. Criteria: Natera Variant Classification Schema (03/2026). Collection method: clinical testing. Allele origin: germline.
Comment: The c.636C>T variant in POMGNT1 is a synonymous variant that does not alter the encoded amino acid at position 212 (p.F212=). This variant is rare in the general population with a frequency below the threshold expected for the associated phenotype(s). This variant has been observed in one or more individuals affected with the associated recessive disease, as either homozygous or compound heterozygous with a second variant (PMID: 18330676, 19299310, 17559086). Given the available evidence, this variant is classified as Pathogenic.

GeneDx
Classification: Pathogenic. Last evaluated: 2025-03-03. Review status: criteria provided, single submitter. Criteria: GeneDx Variant Classification Process June 2021. Collection method: clinical testing. Allele origin: germline. Affected: yes.
Comment: Reported previously in the homozygous and compound heterozygous state in patients with POMGNT1-related disorders (PMID: 17559086, 18330676, 23326386, 28424332, 32627857); This variant is demonstrated to destroy the canonical splice donor site and result in loss of function (PMID: 18330676); Not observed at significant frequency in large population cohorts (gnomAD); This variant is associated with the following publications: (PMID: 18330676, 22323514, 23326386, 19299310, 28424332, 28492532, 31589614, 35175440, 37342771, 38444904, 37597066, 17559086, 32627857)

Blueprint Genetics
Classification: Pathogenic for POMGNT1-related disorders. Last evaluated: 2024-11-20. Review status: criteria provided, single submitter. Criteria: ACMG Guidelines, 2015. Collection method: clinical testing. Allele origin: germline. Affected: yes. Observed: 4 variant alleles.

Baylor Genetics
Classification: Pathogenic for Muscular dystrophy-dystroglycanopathy (congenital with brain and eye anomalies), type A3. Last evaluated: 2024-03-05. Review status: criteria provided, single submitter. Criteria: ACMG Guidelines, 2015. Collection method: clinical testing. Allele origin: unknown.

Women's Health and Genetics/Laboratory Corporation of America, LabCorp
Classification: Pathogenic for Autosomal recessive limb-girdle muscular dystrophy. Last evaluated: 2023-02-02. Review status: criteria provided, single submitter. Criteria: LabCorp Variant Classification Summary - May 2015. Collection method: clinical testing. Allele origin: germline.
Comment: Variant summary: POMGNT1 c.636C>T alters a conserved nucleotide resulting in a synonymous change. 1/4 computational tools predicted weakening of the canonical 5' splice donor site. Multiple reports have demonstrated that this silent variant leads to exon 7 skipping, when analyzed at the RNA level (examples: Cummings_2017 and Oliveira_2008). The variant allele was found at a frequency of 4e-05 in 251122 control chromosomes (gnomAD). This frequency is not significantly higher than expected for a pathogenic variant in POMGNT1 causing Limb-Girdle Muscular Dystrophy, Autosomal Recessive (4e-05 vs 0.00072), allowing no conclusion about variant significance. c.636C>T has been reported in the literature in individuals affected with muscular dystrophy and lissencephaly (examples: Bouchet_2007, Cummings_2017 and Oliveira_2008). These data indicate that the variant is very likely to be associated with disease. Six clinical diagnostic laboratories have submitted clinical-significance assessments for this variant to ClinVar after 2014 and all classified the variant as pathogenic. Based on the evidence outlined above, the variant was classified as pathogenic.

Broad Center for Mendelian Genomics, Broad Institute of MIT and Harvard
Classification: Pathogenic for Muscular dystrophy-dystroglycanopathy. Last evaluated: 2023-01-24. Review status: criteria provided, single submitter. Criteria: ACMG Guidelines, 2015. Collection method: curation. Allele origin: germline. Inheritance: Autosomal recessive inheritance.
Comment: The c.636C>T (p.Phe212=) variant in POMGNT1 has been reported in six individuals with muscular dystrophy-dystroglycanopathy (PMID 23326386, PMID 28424332, PMID 22323514, PMID 17559086, PMID 18330676) and has been identified in 0.01004% (2/19924) East Asian chromosomes in gnomAD (dbSNP ID rs190057175). Although this variant has been seen in the general population in a heterozygous state, its frequency is low enough to be consistent with a recessive carrier frequency. This variant has been reported in ClinVar (Variation ID #265399) as pathogenic by GeneDx, Invitae, Counsyl, CeGaT Center for Human Genetics Tuebingen, Natera, Inc, and Perkin-Elmer Genomics. Of these six affected individuals, one was a homozygote (PMID: 18330676) and two were compound heterozygotes, one confirmed compound heterozygote who carried a pathogenic variant in confirmed trans (PMID: 28424332) and one compound heterozygote who carried a likely pathogenic variant in trans (PMID: 22323514), which increases the likelihood that the c.636C>T (p.Phe212=) variant is pathogenic. The variant was shown by RT-PCR analysis (PMID: 18330676, PMID: 17559086) and muscle RNAseq of patient tissue (PMID: 28424332) to alter splicing and lead to exon skipping of exon 7, frameshift, and premature truncation. Loss of function of the POMGNT1 gene is an established disease mechanism in autosomal recessive POMGNT1-associated muscular dystrophy-dystroglycanopathy. In summary, this variant meets criteria to be classified as pathogenic for POMGNT1-associated muscular dystrophy-dystroglycanopathy. ACMG/AMP Criteria applied: PM3_Strong, PM2_supporting, PS3_Strong (Richards 2015).

Fulgent Genetics
Classification: Pathogenic for Muscular dystrophy-dystroglycanopathy (congenital with brain and eye anomalies), type A3; Muscular dystrophy-dystroglycanopathy (congenital with impaired intellectual development), type B, 3; Autosomal recessive limb-girdle muscular dystrophy type 2O; Retinitis pigmentosa 76. Last evaluated: 2021-09-09. Review status: criteria provided, single submitter. Criteria: ACMG Guidelines, 2015. Collection method: clinical testing. Allele origin: unknown.

Revvity Omics, Revvity
Classification: Pathogenic. Last evaluated: 2019-12-02. Review status: criteria provided, single submitter. Criteria: ACMG Guidelines, 2015. Collection method: clinical testing. Allele origin: germline.

CeGaT Center for Human Genetics Tuebingen
Classification: Pathogenic. Last evaluated: 2019-11-01. Review status: criteria provided, single submitter. Criteria: CeGaT Center For Human Genetics Tuebingen Variant Classification Criteria Version 2. Collection method: clinical testing. Allele origin: germline. Affected: yes. Observed: 2 variant alleles.

Juno Genomics, Hangzhou Juno Genomics, Inc
Classification: Pathogenic for Muscular dystrophy-dystroglycanopathy (congenital with impaired intellectual development), type B, 3; Muscular dystrophy-dystroglycanopathy (congenital with brain and eye anomalies), type A3; Autosomal recessive limb-girdle muscular dystrophy type 2O; Retinitis pigmentosa 76. Review status: criteria provided, single submitter. Criteria: ACMG Guidelines, 2015. Collection method: clinical testing. Allele origin: germline.
Comment: Absent from controls (or at extremely low frequency if recessive) in Genome Aggregation Database.;Null variant in a gene where loss of function (LOF) is a known mechanism of disease.;For recessive disorders, detected in trans with a pathogenic variant.;Patient's phenotype or family history is highly specific for a disease with a single genetic etiology.

Counsyl
Classification: Likely pathogenic for Muscular dystrophy-dystroglycanopathy (congenital with brain and eye anomalies), type A3. Last evaluated: 2014-01-23. Review status: no assertion criteria provided. Collection method: clinical testing. Allele origin: unknown. Not counted in ClinVar's aggregate classification.

Counsyl
Classification: Likely pathogenic for Muscular dystrophy-dystroglycanopathy (congenital with impaired intellectual development), type B, 3. Last evaluated: 2014-01-23. Review status: no assertion criteria provided. Collection method: clinical testing. Allele origin: unknown. Not counted in ClinVar's aggregate classification.

Counsyl
Classification: Likely pathogenic for Autosomal recessive limb-girdle muscular dystrophy type 2O. Last evaluated: 2014-01-23. Review status: no assertion criteria provided. Collection method: clinical testing. Allele origin: unknown. Not counted in ClinVar's aggregate classification.

Counsyl
Classification: Likely pathogenic for Retinitis pigmentosa 76. Last evaluated: 2014-01-23. Review status: no assertion criteria provided. Collection method: clinical testing. Allele origin: unknown. Not counted in ClinVar's aggregate classification.

Literature cited by the submitters: PubMed 17559086 (cited by 4 submitters); PubMed 18330676 (cited by 4 submitters); PubMed 22323514 (cited by Labcorp Genetics (formerly Invitae), Labcorp and Counsyl); PubMed 23326386 (cited by Labcorp Genetics (formerly Invitae), Labcorp and Counsyl); PubMed 28424332 (cited by Labcorp Genetics (formerly Invitae), Labcorp and Women's Health and Genetics/Laboratory Corporation of America, LabCorp); PubMed 19299310 (cited by Natera, Inc.).